The following is an entry in ClinVar:

NM_006087.4(TUBB4A):c.737T>C (p.Leu246Pro)

Gene: TUBB4A (tubulin beta 4A class IVa; minus strand). Cytogenetic location: 19p13.3.
Variant type: single nucleotide variant.
Coding change: c.737T>C on transcript NM_006087.4 (MANE Select); coding-DNA position 737, T replaced by C.
Protein change: p.Leu246Pro; replaces leucine 246 with proline.
Molecular consequence: missense variant.
Genome position (GRCh38, 1-based): chr19:6,495,762, A>G on the plus strand (T>C on the coding strand, the complement: TUBB4A is on the minus strand). VCF-style: chr19-6495762-A-G. GRCh37 (hg19) VCF-style: chr19-6495773-A-G.
Other names: c.890T>C, p.Leu297Pro (NM_001289123.2); c.872T>C, p.Leu291Pro (NM_001289127.2); c.737T>C, p.Leu246Pro (NM_001289129.2); c.521T>C, p.Leu174Pro (NM_001289130.2, NM_001289131.2); c.737T>C (NM_006087.2); short protein forms L174P, L246P, L291P, L297P.
Identifiers: ClinVar variation 2124806 (VCV002124806.6), dbSNP rs2512753619, ClinGen allele CA403591244.

ClinVar aggregate classification (germline): Pathogenic/Likely pathogenic. Review status: criteria provided, multiple submitters, no conflicts (2 of 4 stars). 2 submissions from 2 submitters: Pathogenic (1); Likely pathogenic (1). Last evaluated 2025-11-15.

Conditions:
Leukodystrophy, hypomyelinating, 6. Also called: Hypomyelination with Atrophy of Basal Ganglia and Cerebellum (H-ABC); LEUKODYSTROPHY, HYPOMYELINATING, WITH ATROPHY OF THE BASAL GANGLIA AND CEREBELLUM; TUBB4A-Associated Leukodystrophy. Identifiers: Orphanet 139441, MedGen C2676244, MONDO:0012905, OMIM 612438.

Submissions (2):

GeneDx
Classification: Likely pathogenic. Last evaluated: 2025-11-15. Review status: criteria provided, single submitter. Criteria: GeneDx Variant Classification Process June 2021. Collection method: clinical testing. Allele origin: germline. Affected: yes.
Comment: Not observed at significant frequency in large population cohorts (gnomAD); In silico analysis supports that this missense variant has a deleterious effect on protein structure/function; Has not been previously published as pathogenic or benign to our knowledge

Labcorp Genetics (formerly Invitae), Labcorp
Classification: Pathogenic for Leukodystrophy, hypomyelinating, 6. Last evaluated: 2022-06-10. Review status: criteria provided, single submitter. Criteria: Invitae Variant Classification Sherloc (09022015). Collection method: clinical testing. Allele origin: germline.
Comment: This sequence change replaces leucine, which is neutral and non-polar, with proline, which is neutral and non-polar, at codon 246 of the TUBB4A protein (p.Leu246Pro). For these reasons, this variant has been classified as Pathogenic. This variant disrupts the p.Leu246 amino acid residue in TUBB4A. Other variant(s) that disrupt this residue have been determined to be pathogenic (Invitae). This suggests that this residue is clinically significant, and that variants that disrupt this residue are likely to be disease-causing. Algorithms developed to predict the effect of missense changes on protein structure and function are either unavailable or do not agree on the potential impact of this missense change (SIFT: "Deleterious"; PolyPhen-2: "Probably Damaging"; Align-GVGD: "Class C0"). This missense change has been observed in individual(s) with TUBB4A-related conditions (Invitae). In at least one individual the variant was observed to be de novo. This variant is not present in population databases (gnomAD no frequency).